The following is an entry in ClinVar:

NM_000193.4(SHH):c.1222GGC[5] (p.Gly411dup)

Gene: SHH (sonic hedgehog signaling molecule; minus strand). Cytogenetic location: 7q36.3.
Variant type: Microsatellite.
Coding change: c.1222GGC[5] on transcript NM_000193.4 (MANE Select); five copies in a row of the 3-base unit GGC starting at c.1222; the reference has four copies in a row; one copy, 3 bases duplicated.
Protein change: p.Gly411dup; duplicates glycine 411.
Molecular consequence: inframe insertion. On other transcripts: intron variant (1).
Genome position (GRCh38, 1-based): chr7:155,803,056-155,803,058, GCC duplicated on the plus strand (GGC on the coding strand, the reverse complement: SHH is on the minus strand); duplicating any 3 consecutive bases within chr7:155,803,056-155,803,067 gives the same sequence; the position shown is the placement nearest the transcript's 3' end. VCF-style (leftmost placement, unchanged base first): chr7-155803055-T-TGCC. GRCh37 (hg19) VCF-style: chr7-155595749-T-TGCC.
Other names: c.302-2822GGC[5] (NM_001310462.2); c.1231_1233dupGGC (NM_000193.4).
Identifiers: ClinVar variation 810236 (VCV000810236.44), dbSNP rs769920627, ClinGen allele CA4586901.

ClinVar aggregate classification (germline): Conflicting classifications of pathogenicity. Review status: criteria provided, conflicting classifications (1 of 4 stars). 3 submissions from 3 submitters: Likely pathogenic (1); Uncertain significance (1). 1 of the submissions does not count toward it. Last evaluated 2025-01-29.

Conditions:
SHH-related disorder. Also called: SHH-related condition; SHH-related disorders.

Submissions (3):

Women's Health and Genetics/Laboratory Corporation of America, LabCorp
Classification: Uncertain significance. Last evaluated: 2025-01-29. Review status: criteria provided, single submitter. Criteria: LabCorp Variant Classification Summary - May 2015. Collection method: clinical testing. Allele origin: germline.
Comment: Variant summary: SHH c.1231_1233dupGGC (p.Gly411dup) results in an in-frame duplication that is predicted to duplicate one amino acid in the encoded protein. The frequency data for this variant in gnomAD is considered unreliable, as metrics indicate poor data quality at this position. c.1231_1233dupGGC has been reported in the literature in at-least one individual affected with holoprosencephaly (example: Roessler_2009). This report does not provide unequivocal conclusions about association of the variant with SHH-Related Disorders. At least one publication reports experimental evidence evaluating an impact on protein function. Specifically, a phenotypic rescue assay with synthetic human messenger RNA variant constructs were utilized in shha-/- knockout zebrafish to assess pathogenicity of SHH variants and the data for the c.1231_1233dupGGC variant was consistent with it being a hypomorphic variant, resulting in a rescue of the phenotype in approximately 55% of embryos (example: Hong_2020). The following publications have been ascertained in the context of this evaluation (PMID: 32939873, 19603532). ClinVar contains an entry for this variant (Variation ID: 810236). Based on the evidence outlined above, the variant was classified as uncertain significance.

CeGaT Center for Human Genetics Tuebingen
Classification: Likely pathogenic. Last evaluated: 2017-08-01. Review status: criteria provided, single submitter. Criteria: CeGaT Center For Human Genetics Tuebingen Variant Classification Criteria Version 2. Collection method: clinical testing. Allele origin: germline. Affected: yes. Observed: 1 variant allele.

PreventionGenetics, part of Exact Sciences
Classification: Uncertain significance for SHH-related condition. Last evaluated: 2023-11-22. Review status: no assertion criteria provided. Collection method: clinical testing. Allele origin: germline. Not counted in ClinVar's aggregate classification.
Comment: The SHH c.1231_1233dupGGC variant is predicted to result in an in-frame duplication (p.Gly411dup). This variant was reported in an individual with holoprosencephaly (Roessler et al. 2009. PubMed ID: 19603532). An in vivo functional study demonstrated this variant may affect the protein function (Hong et al. 2020. PubMed ID: 32939873). This variant is reported in 0.0017% of alleles in individuals of European (non-Finnish) descent in gnomAD. At this time, the clinical significance of this variant is uncertain due to the absence of conclusive functional and genetic evidence.

Literature cited by the submitters: PubMed 32939873 (cited by Women's Health and Genetics/Laboratory Corporation of America, LabCorp); PubMed 19603532 (cited by Women's Health and Genetics/Laboratory Corporation of America, LabCorp).